The following is an entry in ClinVar:

ClinVar aggregate classification (germline): Uncertain significance (1 of 4 stars; one submission).

Conditions:
Hyperaldosteronism, familial, type IV (HALD4). Also called: FH IV; ALDOSTERONISM, PRIMARY, AND HYPERTENSION. Identifiers: Orphanet 642671, MedGen C4310756, MONDO:0014875, OMIM 617027.
Idiopathic generalized epilepsy. Also called: EIG; Generalised epilepsy. Identifiers: MedGen C0270850, MONDO:0005579, OMIM 600669.

Submission:

Labcorp Genetics (formerly Invitae), Labcorp
Classification: Uncertain significance for Idiopathic generalized epilepsy; Hyperaldosteronism, familial, type IV. Last evaluated: 2026-01-01. Review status: criteria provided, single submitter. Criteria: Invitae Variant Classification Sherloc (09022015). Collection method: clinical testing. Allele origin: germline.
Comment: This sequence change replaces glutamic acid, which is acidic and polar, with aspartic acid, which is acidic and polar, at codon 1593 of the CACNA1H protein (p.Glu1593Asp). This variant is not present in population databases (gnomAD no frequency). This variant has not been reported in the literature in individuals affected with CACNA1H-related conditions. An algorithm developed to predict the effect of missense changes on protein structure and function (PolyPhen-2) suggests that this variant is likely to be tolerated. In summary, the available evidence is currently insufficient to determine the role of this variant in disease. Therefore, it has been classified as a Variant of Uncertain Significance.

NM_021098.3(CACNA1H):c.4779G>T (p.Glu1593Asp)

Gene: CACNA1H (calcium voltage-gated channel subunit alpha1 H; plus strand). Cytogenetic location: 16p13.3.
Variant type: single nucleotide variant.
Coding change: c.4779G>T on transcript NM_021098.3 (MANE Select); coding-DNA position 4779, G replaced by T.
Protein change: p.Glu1593Asp; replaces glutamic acid 1593 with aspartic acid.
Molecular consequence: missense variant.
Genome position (GRCh38, 1-based): chr16:1,213,781, G>T. VCF-style: chr16-1213781-G-T. GRCh37 (hg19) VCF-style: chr16-1263781-G-T.
Other names: c.4761G>T, p.Lys1587Asn (NM_001005407.2); short protein forms E1593D, K1587N.
Identifiers: ClinVar variation 4790979 (VCV004790979.1).